The following is an entry in ClinVar:

NM_000038.6(APC):c.3174T>G (p.Asp1058Glu)

Gene: APC (APC regulator of Wnt signaling pathway; plus strand). Cytogenetic location: 5q22.2.
Variant type: single nucleotide variant.
Coding change: c.3174T>G on transcript NM_000038.6 (MANE Select); coding-DNA position 3174, T replaced by G.
Protein change: p.Asp1058Glu; replaces aspartic acid 1058 with glutamic acid.
Molecular consequence: missense variant.
Genome position (GRCh38, 1-based): chr5:112,838,768, T>G. VCF-style: chr5-112838768-T-G. GRCh37 (hg19) VCF-style: chr5-112174465-T-G.
Other names: c.3174T>G, p.Asp1058Glu (NM_001127510.3, NM_001354895.2); c.3120T>G, p.Asp1040Glu (NM_001127511.3); c.3228T>G, p.Asp1076Glu (NM_001354896.2); c.3204T>G, p.Asp1068Glu (NM_001354897.2); c.3099T>G, p.Asp1033Glu (NM_001354898.2); c.3090T>G, p.Asp1030Glu (NM_001354899.2); c.3051T>G, p.Asp1017Glu (NM_001354900.2); c.2997T>G, p.Asp999Glu (NM_001354901.2); and 5 more; short protein forms D1040E, D1058E, D1068E, D957E, D1030E, D1076E, D775E, D898E.
Identifiers: ClinVar variation 628888 (VCV000628888.10), dbSNP rs1561582572, ClinGen allele CA16028289.

ClinVar aggregate classification (germline): Uncertain significance. Review status: criteria provided, multiple submitters, no conflicts (2 of 4 stars). 4 submissions from 4 submitters: Uncertain significance (4). Last evaluated 2023-12-05.

Conditions:
Hereditary cancer-predisposing syndrome. Also called: Neoplastic Syndromes, Hereditary; Tumor predisposition; Hereditary neoplastic syndrome; Hereditary Cancer Syndrome. Identifiers: Orphanet 140162, MedGen C0027672, MeSH D009386, MONDO:0015356.
Classic or attenuated familial adenomatous polyposis. Identifiers: MedGen CN372698, MONDO:0021057.
Familial adenomatous polyposis 1 (FAP1). Also called: POLYPOSIS, ADENOMATOUS INTESTINAL; FAMILIAL ADENOMATOUS POLYPOSIS 1, ATTENUATED. Identifiers: MedGen C2713442, MONDO:0021056, OMIM 175100. Disease mechanism: loss of function.

Submissions (4):

Color Diagnostics, LLC DBA Color Health
Classification: Uncertain significance for Hereditary cancer-predisposing syndrome. Last evaluated: 2023-12-05. Review status: criteria provided, single submitter. Criteria: ACMG Guidelines, 2015. Collection method: clinical testing. Allele origin: germline.
Comment: This missense variant replaces aspartic acid with glutamic acid at codon 1058 of the APC protein. Computational prediction suggests that this variant may not impact protein structure and function (internally defined REVEL score threshold <= 0.5, PMID: 27666373). To our knowledge, functional studies have not been reported for this variant. This variant has not been reported in individuals affected with APC-related disorders in the literature. This variant has not been identified in the general population by the Genome Aggregation Database (gnomAD). The available evidence is insufficient to determine the role of this variant in disease conclusively. Therefore, this variant is classified as a Variant of Uncertain Significance.

All of Us Research Program, National Institutes of Health
Classification: Uncertain significance for Classic or attenuated familial adenomatous polyposis. Last evaluated: 2023-04-27. Review status: criteria provided, single submitter. Criteria: ACMG Guidelines, 2015. Collection method: clinical testing. Allele origin: germline. Inheritance: Autosomal dominant inheritance. Observed: 1 variant allele, 1 heterozygote.
Comment: This study involves interpretation of variants in research participants for the purpose of population health screening. Participant phenotype was not available at the time of variant classification. Additional details can be found in publication PMID: 35346344, PMCID: PMC8962531

Ambry Genetics
Classification: Uncertain significance for Hereditary cancer-predisposing syndrome. Last evaluated: 2023-02-16. Review status: criteria provided, single submitter. Criteria: Ambry Variant Classification Scheme 2023. Collection method: clinical testing. Allele origin: germline.
Comment: The p.D1058E variant (also known as c.3174T>G), located in coding exon 15 of the APC gene, results from a T to G substitution at nucleotide position 3174. The aspartic acid at codon 1058 is replaced by glutamic acid, an amino acid with highly similar properties. This amino acid position is well conserved in available vertebrate species. In addition, in silico predictors for this gene do not accurately predict pathogenicity. Since supporting evidence is limited at this time, the clinical significance of this alteration remains unclear.

Labcorp Genetics (formerly Invitae), Labcorp
Classification: Uncertain significance for Familial adenomatous polyposis 1. Last evaluated: 2022-11-19. Review status: criteria provided, single submitter. Criteria: Invitae Variant Classification Sherloc (09022015). Collection method: clinical testing. Allele origin: germline.
Comment: In summary, the available evidence is currently insufficient to determine the role of this variant in disease. Therefore, it has been classified as a Variant of Uncertain Significance. Advanced modeling of protein sequence and biophysical properties (such as structural, functional, and spatial information, amino acid conservation, physicochemical variation, residue mobility, and thermodynamic stability) performed at Invitae indicates that this missense variant is not expected to disrupt APC protein function. ClinVar contains an entry for this variant (Variation ID: 628888). This variant has not been reported in the literature in individuals affected with APC-related conditions. This variant is not present in population databases (gnomAD no frequency). This sequence change replaces aspartic acid, which is acidic and polar, with glutamic acid, which is acidic and polar, at codon 1058 of the APC protein (p.Asp1058Glu).